The following is an entry in ClinVar:

ClinVar aggregate classification (germline): Uncertain significance (1 of 4 stars; one submission).

Conditions:
Hereditary cancer-predisposing syndrome. Also called: Hereditary Cancer Syndrome; Tumor predisposition; Hereditary neoplastic syndrome; Neoplastic Syndromes, Hereditary. Identifiers: Orphanet 140162, MedGen C0027672, MeSH D009386, MONDO:0015356.

gnomAD v4.1: 3 of 1,490,942 alleles (0.0002%); highest among the groups gnomAD compares: Non-Finnish European, 0.00028%; no homozygotes.

Submission:

Ambry Genetics
Classification: Uncertain significance for Hereditary cancer-predisposing syndrome. Last evaluated: 2024-10-08. Review status: criteria provided, single submitter. Criteria: Ambry Variant Classification Scheme 2023. Collection method: clinical testing. Allele origin: germline.
Comment: The p.K14E variant (also known as c.40A>G), located in coding exon 2 of the MRE11A gene, results from an A to G substitution at nucleotide position 40. The lysine at codon 14 is replaced by glutamic acid, an amino acid with similar properties. This amino acid position is conserved. In addition, this alteration is predicted to be deleterious by in silico analysis. Based on the available evidence, the clinical significance of this variant remains unclear.

NM_005591.4(MRE11):c.40A>G (p.Lys14Glu)

Gene: MRE11 (MRE11 double strand break repair nuclease; minus strand). Cytogenetic location: 11q21.
Variant type: single nucleotide variant.
Coding change: c.40A>G on transcript NM_005591.4 (MANE Select); coding-DNA position 40, A replaced by G.
Protein change: p.Lys14Glu; replaces lysine 14 with glutamic acid.
Molecular consequence: missense variant.
Genome position (GRCh38, 1-based): chr11:94,490,946, T>C on the plus strand (A>G on the coding strand, the complement: MRE11 is on the minus strand). VCF-style: chr11-94490946-T-C. GRCh37 (hg19) VCF-style: chr11-94224112-T-C.
Other names: c.40A>G, p.Lys14Glu (NM_001330347.2, NM_005590.4); short protein forms K14E.
Identifiers: ClinVar variation 3397872 (VCV003397872.1).
Genomic context (GRCh38, chr11:94,490,946, plus strand): 5'-TTCCTCTGACTGCATCTTTCTCCATAAATCCAAGATGAATATCTGTTGCAACTAATATTT[T>C]AAATGTGTTTTCATCATCACTATATTAAGAAAGAAGAAACATTTCAATATATTAATAATT-3'
Protein context (NP_005582.1, residues 4-24): ADALDDENTF[Lys14Glu]ILVATDIHLG